The following is an entry in ClinVar:

NM_002661.5(PLCG2):c.1602C>A (p.His534Gln)

Gene: PLCG2 (phospholipase C gamma 2; plus strand). Cytogenetic location: 16q23.3.
Variant type: single nucleotide variant.
Coding change: c.1602C>A on transcript NM_002661.5 (MANE Select); coding-DNA position 1602, C replaced by A.
Protein change: p.His534Gln; replaces histidine 534 with glutamine.
Molecular consequence: missense variant.
Genome position (GRCh38, 1-based): chr16:81,908,460, C>A. VCF-style: chr16-81908460-C-A. GRCh37 (hg19) VCF-style: chr16-81942065-C-A.
Other names: short protein forms H534Q.
Identifiers: ClinVar variation 2166288 (VCV002166288.4), dbSNP rs375195776, ClinGen allele CA8193868.

ClinVar aggregate classification (germline): Uncertain significance (1 of 4 stars; one submission).

Conditions:
Familial cold autoinflammatory syndrome 3 (FCAS3). Also called: FAMILIAL ATYPICAL COLD URTICARIA; ANTIBODY DEFICIENCY AND IMMUNE DYSREGULATION, PLCG2-ASSOCIATED. Identifiers: Orphanet 300359, MedGen C3280914, MONDO:0013766, OMIM 614468.

Allele frequency attached by ClinVar (database versions not stated): ExAC 0.00001; gnomAD 0.00001; TOPMed 0.00002; ESP Exome Variant Server 0.00008.
gnomAD v4.1: 42 of 1,614,008 alleles (0.0026%); highest among the groups gnomAD compares: Non-Finnish European, 0.0035%; no homozygotes.

Submission:

Labcorp Genetics (formerly Invitae), Labcorp
Classification: Uncertain significance for Familial cold autoinflammatory syndrome 3. Last evaluated: 2023-08-14. Review status: criteria provided, single submitter. Criteria: Invitae Variant Classification Sherloc (09022015). Collection method: clinical testing. Allele origin: germline.
Comment: In summary, the available evidence is currently insufficient to determine the role of this variant in disease. Therefore, it has been classified as a Variant of Uncertain Significance. This sequence change replaces histidine, which is basic and polar, with glutamine, which is neutral and polar, at codon 534 of the PLCG2 protein (p.His534Gln). This variant is present in population databases (rs375195776, gnomAD 0.0009%). This variant has not been reported in the literature in individuals affected with PLCG2-related conditions. ClinVar contains an entry for this variant (Variation ID: 2166288). An algorithm developed to predict the effect of missense changes on protein structure and function (PolyPhen-2) suggests that this variant is likely to be disruptive.